The following is an entry in ClinVar:

ClinVar aggregate classification (germline): Uncertain significance (1 of 4 stars; one submission).

Conditions:
Vici syndrome (VICIS). Identifiers: Orphanet 1493, MedGen C1855772, MONDO:0009452, OMIM 242840.

Submission:

Labcorp Genetics (formerly Invitae), Labcorp
Classification: Uncertain significance for Vici syndrome. Last evaluated: 2025-02-24. Review status: criteria provided, single submitter. Criteria: Invitae Variant Classification Sherloc (09022015). Collection method: clinical testing. Allele origin: germline.
Comment: This sequence change replaces valine, which is neutral and non-polar, with methionine, which is neutral and non-polar, at codon 62 of the EPG5 protein (p.Val62Met). This variant is not present in population databases (gnomAD no frequency). This variant has not been reported in the literature in individuals affected with EPG5-related conditions. ClinVar contains an entry for this variant (Variation ID: 1955955). An algorithm developed to predict the effect of missense changes on protein structure and function (PolyPhen-2) suggests that this variant is likely to be tolerated. In summary, the available evidence is currently insufficient to determine the role of this variant in disease. Therefore, it has been classified as a Variant of Uncertain Significance.

NM_020964.3(EPG5):c.184G>A (p.Val62Met)

Gene: EPG5 (ectopic P-granules 5 autophagy tethering factor; minus strand). Cytogenetic location: 18q21.1.
Variant type: single nucleotide variant.
Coding change: c.184G>A on transcript NM_020964.3 (MANE Select); coding-DNA position 184, G replaced by A.
Protein change: p.Val62Met; replaces valine 62 with methionine.
Molecular consequence: missense variant.
Genome position (GRCh38, 1-based): chr18:45,955,218, C>T on the plus strand (G>A on the coding strand, the complement: EPG5 is on the minus strand). VCF-style: chr18-45955218-C-T. GRCh37 (hg19) VCF-style: chr18-43535184-C-T.
Other names: c.184G>A, p.Val62Met (NM_001410858.1, NM_001410859.1); short protein forms V62M.
Identifiers: ClinVar variation 1955955 (VCV001955955.3), dbSNP rs1200007844, ClinGen allele CA402352284.